The following is an entry in ClinVar:

NM_000264.5(PTCH1):c.2933T>C (p.Leu978Pro)

Gene: PTCH1 (patched 1; minus strand). Cytogenetic location: 9q22.32.
Variant type: single nucleotide variant.
Coding change: c.2933T>C on transcript NM_000264.5 (MANE Select); coding-DNA position 2933, T replaced by C.
Protein change: p.Leu978Pro; replaces leucine 978 with proline.
Molecular consequence: missense variant. On other transcripts: non-coding transcript variant (1).
Genome position (GRCh38, 1-based): chr9:95,458,248, A>G on the plus strand (T>C on the coding strand, the complement: PTCH1 is on the minus strand). VCF-style: chr9-95458248-A-G. GRCh37 (hg19) VCF-style: chr9-98220530-A-G.
Other names: c.2735T>C, p.Leu912Pro (NM_001083602.3); c.2930T>C, p.Leu977Pro (NM_001083603.3); c.2480T>C, p.Leu827Pro (NM_001083604.3, NM_001083605.3, NM_001083606.3 and 1 more transcripts); c.2777T>C, p.Leu926Pro (NM_001354918.2); short protein forms L912P, L978P, L827P, L926P, L977P.
Identifiers: ClinVar variation 216379 (VCV000216379.11), dbSNP rs863224652, ClinGen allele CA337415.
Genomic context (GRCh38, chr9:95,458,248, plus strand): 5'-CAGATGGTCCTTACTTTTTCAATTGCCTCCACAAAGTCTGAGGTGTCCCGCAAGCCGTTG[A>G]GGTAGAAAGGGAACTGGGCATACTCGATGGGCTCTGCTGCCGGGACTGGACAGAGAAGGG-3'
Protein context (NP_000255.2, residues 968-988): PIEYAQFPFY[Leu978Pro]NGLRDTSDFV

ClinVar aggregate classification (germline): Uncertain significance. Review status: criteria provided, multiple submitters, no conflicts (2 of 4 stars). 3 submissions from 3 submitters: Uncertain significance (3). Last evaluated 2026-07-28.

Conditions:
Hereditary cancer-predisposing syndrome. Also called: Tumor predisposition; Neoplastic Syndromes, Hereditary; Hereditary Cancer Syndrome; Hereditary neoplastic syndrome. Identifiers: Orphanet 140162, MedGen C0027672, MeSH D009386, MONDO:0015356.
Gorlin syndrome. Also called: Basal cell nevus syndrome; Nevoid Basal Cell Carcinoma Syndrome. Identifiers: Orphanet 377, MedGen C0004779, MONDO:0007187.

Submissions (3):

Ambry Genetics
Classification: Uncertain significance for Hereditary cancer-predisposing syndrome. Last evaluated: 2026-07-28. Review status: criteria provided, single submitter. Criteria: Ambry Variant Classification Scheme 2023. Collection method: clinical testing. Allele origin: germline.
Comment: The p.L978P variant (also known as c.2933T>C), located in coding exon 18 of the PTCH1 gene, results from a T to C substitution at nucleotide position 2933. The leucine at codon 978 is replaced by proline, an amino acid with similar properties. This amino acid position is highly conserved in available vertebrate species. In addition, this alteration is predicted to be deleterious by in silico analysis. Based on the available evidence, the clinical significance of this variant remains unclear.

Blueprint Genetics
Classification: Uncertain significance. Last evaluated: 2021-07-08. Review status: criteria provided, single submitter. Criteria: ACMG Guidelines, 2015. Collection method: clinical testing. Allele origin: germline.

Labcorp Genetics (formerly Invitae), Labcorp
Classification: Uncertain significance for Gorlin syndrome. Last evaluated: 2015-03-15. Review status: criteria provided, single submitter. Criteria: Invitae Variant Classification Sherloc (09022015). Collection method: clinical testing. Allele origin: germline.
Comment: This variant has not been published in the literature and is not present in population databases. Algorithms developed to predict the effect of missense changes on protein structure and function (SIFT, PolyPhen-2, Align-GVGD) all suggest that this variant is likely to be disruptive, but these predictions have not been confirmed by published functional studies. In summary, this is a novel missense change with uncertain impact on protein function. It has been classified as a Variant of Uncertain Significance. This sequence change replaces leucine with proline at codon 978 of the PTCH1 protein (p.Leu978Pro). The leucine residue is highly conserved and there is a moderate physicochemical difference between leucine and proline.